The following is an entry in ClinVar:

ClinVar aggregate classification (germline): Uncertain significance (1 of 4 stars; one submission).

Conditions:
Hereditary cancer-predisposing syndrome. Also called: Neoplastic Syndromes, Hereditary; Hereditary Cancer Syndrome; Tumor predisposition; Hereditary neoplastic syndrome. Identifiers: Orphanet 140162, MedGen C0027672, MeSH D009386, MONDO:0015356.

Submission:

Labcorp Genetics (formerly Invitae), Labcorp
Classification: Uncertain significance for Hereditary cancer-predisposing syndrome. Last evaluated: 2018-04-12. Review status: criteria provided, single submitter. Criteria: Invitae Variant Classification Sherloc (09022015). Collection method: clinical testing. Allele origin: germline.
Comment: This variant has not been reported in the literature in individuals with RAD50-related disease. In summary, the available evidence is currently insufficient to determine the role of this variant in disease. Therefore, it has been classified as a Variant of Uncertain Significance. Algorithms developed to predict the effect of missense changes on protein structure and function (SIFT, PolyPhen-2, Align-GVGD) all suggest that this variant is likely to be tolerated, but these predictions have not been confirmed by published functional studies and their clinical significance is uncertain. This variant is not present in population databases (ExAC no frequency). This sequence change replaces arginine with threonine at codon 313 of the RAD50 protein (p.Arg313Thr). The arginine residue is moderately conserved and there is a moderate physicochemical difference between arginine and threonine.

NM_005732.4(RAD50):c.938G>C (p.Arg313Thr)

Gene: RAD50 (RAD50 double strand break repair protein; plus strand). Cytogenetic location: 5q31.1.
Variant type: single nucleotide variant.
Coding change: c.938G>C on transcript NM_005732.4 (MANE Select); coding-DNA position 938, G replaced by C.
Protein change: p.Arg313Thr; replaces arginine 313 with threonine.
Molecular consequence: missense variant.
Genome position (GRCh38, 1-based): chr5:132,587,976, G>C. VCF-style: chr5-132587976-G-C. GRCh37 (hg19) VCF-style: chr5-131923668-G-C.
Other names: short protein forms R313T.
Identifiers: ClinVar variation 1037120 (VCV001037120.9), dbSNP rs1750625034, ClinGen allele CA360941004.